The following is an entry in ClinVar:

ClinVar aggregate classification (germline): Pathogenic (1 of 4 stars; one submission).

Conditions:
Joubert syndrome. Also called: CEREBELLOPARENCHYMAL DISORDER IV; JOUBERT-BOLTSHAUSER SYNDROME; Familial aplasia of the vermis. Identifiers: Orphanet 475, MedGen C5979921, MONDO:0018772.

Submission:

Labcorp Genetics (formerly Invitae), Labcorp
Classification: Pathogenic for Joubert syndrome. Last evaluated: 2022-07-12. Review status: criteria provided, single submitter. Criteria: Invitae Variant Classification Sherloc (09022015). Collection method: clinical testing. Allele origin: germline.
Comment: This variant is not present in population databases (gnomAD no frequency). This variant has not been reported in the literature in individuals affected with INPP5E-related conditions. ClinVar contains an entry for this variant (Variation ID: 1458128). For these reasons, this variant has been classified as Pathogenic. This sequence change creates a premature translational stop signal (p.Asn7Serfs*143) in the INPP5E gene. It is expected to result in an absent or disrupted protein product. Loss-of-function variants in INPP5E are known to be pathogenic (PMID: 19668216, 23034536, 23386033, 28125082).

Literature cited by the submitters: PubMed 19668216; PubMed 23034536; PubMed 23386033; PubMed 28125082.

NM_019892.6(INPP5E):c.15_16del (p.Asn7fs)

Gene: INPP5E (inositol polyphosphate-5-phosphatase E; minus strand). Cytogenetic location: 9q34.3.
Variant type: Deletion.
Coding change: c.15_16del on transcript NM_019892.6 (MANE Select); coding-DNA positions 15 to 16, 2 bases deleted (GG; older notation c.15_16delGG).
Protein change: p.Asn7fs; shifts the reading frame from asparagine 7.
Molecular consequence: frameshift variant.
Genome position (GRCh38, 1-based): chr9:136,439,404-136,439,405, CC deleted on the plus strand (GG on the coding strand, the reverse complement: INPP5E is on the minus strand). VCF-style (leftmost placement, unchanged base first): chr9-136439403-TCC-T. GRCh37 (hg19) VCF-style: chr9-139333855-TCC-T.
Other names: c.15_16del, p.Asn7fs (NM_001318502.2); short protein forms N7fs.
Identifiers: ClinVar variation 1458128 (VCV001458128.6), dbSNP rs2131620438, ClinGen allele CA2573144373.